The following is an entry in ClinVar:

NM_002180.3(IGHMBP2):c.1111G>A (p.Val371Met)

Gene: IGHMBP2 (immunoglobulin mu DNA binding protein 2; plus strand). Cytogenetic location: 11q13.3.
Variant type: single nucleotide variant.
Coding change: c.1111G>A on transcript NM_002180.3 (MANE Select); coding-DNA position 1111, G replaced by A.
Protein change: p.Val371Met; replaces valine 371 with methionine.
Molecular consequence: missense variant.
Genome position (GRCh38, 1-based): chr11:68,929,233, G>A. VCF-style: chr11-68929233-G-A. GRCh37 (hg19) VCF-style: chr11-68696701-G-A.
Other names: short protein forms V371M.
Identifiers: ClinVar variation 572765 (VCV000572765.11), dbSNP rs770912338, ClinGen allele CA6153523.

ClinVar aggregate classification (germline): Uncertain significance. Review status: criteria provided, multiple submitters, no conflicts (2 of 4 stars). 3 submissions from 3 submitters: Uncertain significance (3). Last evaluated 2025-10-01.

Conditions:
Inborn genetic diseases. Identifiers: MedGen C0950123, MeSH D030342.
Charcot-Marie-Tooth disease axonal type 2S. Also called: CHARCOT-MARIE-TOOTH NEUROPATHY, TYPE 2S; CHARCOT-MARIE-TOOTH DISEASE, AXONAL, AUTOSOMAL RECESSIVE, TYPE 2S. Identifiers: Orphanet 443073, MedGen C4015349, MONDO:0014511, OMIM 616155.
Autosomal recessive distal spinal muscular atrophy 1. Also called: HMN VI; NEURONOPATHY, SEVERE INFANTILE AXONAL, WITH RESPIRATORY FAILURE; Spinal muscular atrophy with respiratory distress 1; SEVERE INFANTILE AXONAL NEUROPATHY WITH RESPIRATORY FAILURE; SPINAL MUSCULAR ATROPHY, DIAPHRAGMATIC; NEURONOPATHY, DISTAL HEREDITARY MOTOR, HARDING TYPE VI. Identifiers: Orphanet 98920, MedGen C1858517, MONDO:0011436, OMIM 604320.
Charcot-Marie-Tooth disease. Also called: Charcot-Marie-Tooth Hereditary Neuropathy; Charcot-Marie-Tooth Neuropathy. Identifiers: Orphanet 166, MedGen C0007959, MONDO:0015626.

Allele frequency attached by ClinVar (database versions not stated): TOPMed below 0.00001; gnomAD 0.00001; gnomAD exomes 0.00005; ExAC 0.00007.
gnomAD v4.1: 47 of 1,613,712 alleles (0.0029%); highest among the groups gnomAD compares: South Asian, 0.0033%; 1 homozygote.

Submissions (3):

Ambry Genetics
Classification: Uncertain significance for Inborn genetic diseases. Last evaluated: 2025-10-01. Review status: criteria provided, single submitter. Criteria: Ambry Variant Classification Scheme 2023. Collection method: clinical testing. Allele origin: germline.

Labcorp Genetics (formerly Invitae), Labcorp
Classification: Uncertain significance for Autosomal recessive distal spinal muscular atrophy 1; Charcot-Marie-Tooth disease axonal type 2S. Last evaluated: 2025-01-31. Review status: criteria provided, single submitter. Criteria: Invitae Variant Classification Sherloc (09022015). Collection method: clinical testing. Allele origin: germline.
Comment: This sequence change replaces valine, which is neutral and non-polar, with methionine, which is neutral and non-polar, at codon 371 of the IGHMBP2 protein (p.Val371Met). This variant is present in population databases (rs770912338, gnomAD 0.02%). This variant has not been reported in the literature in individuals affected with IGHMBP2-related conditions. ClinVar contains an entry for this variant (Variation ID: 572765). Invitae Evidence Modeling of protein sequence and biophysical properties (such as structural, functional, and spatial information, amino acid conservation, physicochemical variation, residue mobility, and thermodynamic stability) indicates that this missense variant is not expected to disrupt IGHMBP2 protein function with a negative predictive value of 95%. In summary, the available evidence is currently insufficient to determine the role of this variant in disease. Therefore, it has been classified as a Variant of Uncertain Significance.

Molecular Genetics Laboratory, London Health Sciences Centre
Classification: Uncertain significance for Charcot-Marie-Tooth disease. Review status: criteria provided, single submitter. Criteria: ACMG Guidelines, 2015. Collection method: clinical testing. Allele origin: germline. Affected: yes.